The following is an entry in ClinVar:

ClinVar aggregate classification (germline): Conflicting classifications of pathogenicity. Review status: criteria provided, conflicting classifications (1 of 4 stars). 2 submissions from 2 submitters: Likely pathogenic (1); Uncertain significance (1). Last evaluated 2026-04-17.

Conditions:
FLT4-related disorder. Also called: FLT4-related condition.

Submissions (2):

PreventionGenetics, part of Exact Sciences
Classification: Uncertain significance for FLT4-related condition. Last evaluated: 2026-04-17. Review status: criteria provided, single submitter. Criteria: ACMG Guidelines, 2015. Collection method: clinical testing. Allele origin: germline.
Comment: The FLT4 c.3486C>A variant is predicted to result in the amino acid substitution p.Phe1162Leu. To our knowledge, this variant has not been reported in the literature or in a large population database (gnomAD), indicating this variant is rare. At this time, the clinical significance of this variant is uncertain due to the absence of conclusive functional and genetic evidence.

GeneDx
Classification: Likely pathogenic. Last evaluated: 2023-05-05. Review status: criteria provided, single submitter. Criteria: GeneDx Variant Classification Process June 2021. Collection method: clinical testing. Allele origin: germline. Affected: yes.
Comment: Not observed at significant frequency in large population cohorts (gnomAD); In silico analysis supports that this missense variant has a deleterious effect on protein structure/function; Has not been previously published as pathogenic or benign to our knowledge; This variant is associated with the following publications: (PMID: 11114740)

NM_182925.5(FLT4):c.3486C>A (p.Phe1162Leu)

Gene: FLT4 (fms related receptor tyrosine kinase 4; minus strand). Cytogenetic location: 5q35.3.
Variant type: single nucleotide variant.
Coding change: c.3486C>A on transcript NM_182925.5 (MANE Select); coding-DNA position 3486, C replaced by A.
Protein change: p.Phe1162Leu; replaces phenylalanine 1162 with leucine.
Molecular consequence: missense variant.
Genome position (GRCh38, 1-based): chr5:180,612,557, G>T on the plus strand (C>A on the coding strand, the complement: FLT4 is on the minus strand). VCF-style: chr5-180612557-G-T. GRCh37 (hg19) VCF-style: chr5-180039557-G-T.
Other names: c.3486C>A, p.Phe1162Leu (NM_001354989.2, NM_002020.5); short protein forms F1162L.
Identifiers: ClinVar variation 3343300 (VCV003343300.2).